The following is an entry in ClinVar:

NM_006516.4(SLC2A1):c.276-9C>T

Gene: SLC2A1 (solute carrier family 2 member 1; minus strand). Cytogenetic location: 1p34.2.
Variant type: single nucleotide variant.
Coding change: c.276-9C>T on transcript NM_006516.4 (MANE Select); 9 bases into the intron before coding-DNA position 276, C replaced by T.
Molecular consequence: intron variant.
Genome position (GRCh38, 1-based): chr1:42,930,875, G>A on the plus strand (C>T on the coding strand, the complement: SLC2A1 is on the minus strand). VCF-style: chr1-42930875-G-A. GRCh37 (hg19) VCF-style: chr1-43396546-G-A.
Identifiers: ClinVar variation 139156 (VCV000139156.13), dbSNP rs529579952, ClinGen allele CA019128.

ClinVar aggregate classification (germline): Benign/Likely benign. Review status: criteria provided, multiple submitters, no conflicts (2 of 4 stars). 8 submissions from 4 submitters: Benign (6); Likely benign (2). Last evaluated 2026-01-26.

Conditions:
Hereditary cryohydrocytosis with reduced stomatin. Also called: Stomatin-deficient cryohydrocytosis with neurologic defects; GLUT1 DEFICIENCY SYNDROME WITH PSEUDOHYPERKALEMIA AND HEMOLYSIS. Identifiers: Orphanet 168577, MedGen C1837206, MONDO:0012143, OMIM 608885.
Dystonia 9 (DYT9). Also called: CHOREOATHETOSIS, KINESIGENIC, WITH EPISODIC ATAXIA AND SPASTICITY. Identifiers: Orphanet 53583, MedGen C1832855, MONDO:0010983, OMIM 601042.
Encephalopathy due to GLUT1 deficiency. Also called: GLUCOSE TRANSPORT DEFECT, BLOOD-BRAIN BARRIER; De Vivo disease; Glucose transporter protein syndrome; Classic Glucose Transporter Type 1 Deficiency Syndrome; GLUT1 deficiency syndrome 1; GLUT1 deficiency syndrome 1, infantile onset, severe. Identifiers: Orphanet 71277, MedGen C4551966, MONDO:0011724, OMIM 606777.
Epilepsy, idiopathic generalized, susceptibility to, 12 (EIG12). Identifiers: MedGen C3553859, MONDO:0013919, OMIM 614847.
Childhood onset GLUT1 deficiency syndrome 2. Also called: PAROXYSMAL EXERCISE-INDUCED DYSKINESIA WITH OR WITHOUT EPILEPSY AND/OR HEMOLYTIC ANEMIA; PAROXYSMAL EXERTION-INDUCED DYSTONIA WITH OR WITHOUT EPILEPSY AND/OR HEMOLYTIC ANEMIA; PED WITH OR WITHOUT EPILEPSY AND/OR HEMOLYTIC ANEMIA; Paroxysmal exercise-induced dystonia; GLUT1 deficiency syndrome 2; Exertion-induced paroxysmal dyskinesia. Identifiers: Orphanet 98811, MedGen C1842534, MONDO:0012805, OMIM 612126.
GLUT1 deficiency syndrome 1, autosomal recessive. Identifiers: MedGen C3149117.

Allele frequency attached by ClinVar (database versions not stated): TOPMed 0.00002; ExAC 0.00003; gnomAD 0.00003; gnomAD exomes 0.00003 and 0.00005; 1000 Genomes Project 30x 0.00047; 1000 Genomes Project 0.00060.
gnomAD v4.1: 44 of 1,601,304 alleles (0.0027%); highest among the groups gnomAD compares: East Asian, 0.053%; 1 homozygote.

Submissions (8):

Labcorp Genetics (formerly Invitae), Labcorp
Classification: Likely benign for GLUT1 deficiency syndrome 1, autosomal recessive. Last evaluated: 2026-01-26. Review status: criteria provided, single submitter. Criteria: Invitae Variant Classification Sherloc (09022015). Collection method: clinical testing. Allele origin: germline.

Genome-Nilou Lab
Classification: Benign for Epilepsy, idiopathic generalized, susceptibility to, 12. Last evaluated: 2023-04-11. Review status: criteria provided, single submitter. Criteria: ACMG Guidelines, 2015. Collection method: clinical testing. Allele origin: germline. Affected: no.

Genome-Nilou Lab
Classification: Benign for Dystonia 9. Last evaluated: 2023-04-11. Review status: criteria provided, single submitter. Criteria: ACMG Guidelines, 2015. Collection method: clinical testing. Allele origin: germline. Affected: no.

Genome-Nilou Lab
Classification: Benign for Encephalopathy due to GLUT1 deficiency. Last evaluated: 2023-04-11. Review status: criteria provided, single submitter. Criteria: ACMG Guidelines, 2015. Collection method: clinical testing. Allele origin: germline. Affected: no.

Genome-Nilou Lab
Classification: Benign for Childhood onset GLUT1 deficiency syndrome 2. Last evaluated: 2023-04-11. Review status: criteria provided, single submitter. Criteria: ACMG Guidelines, 2015. Collection method: clinical testing. Allele origin: germline. Affected: no.

Genome-Nilou Lab
Classification: Benign for Hereditary cryohydrocytosis with reduced stomatin. Last evaluated: 2023-04-11. Review status: criteria provided, single submitter. Criteria: ACMG Guidelines, 2015. Collection method: clinical testing. Allele origin: germline. Affected: no.

Fulgent Genetics
Classification: Likely benign for Dystonia 9; Encephalopathy due to GLUT1 deficiency; Hereditary cryohydrocytosis with reduced stomatin; Childhood onset GLUT1 deficiency syndrome 2; Epilepsy, idiopathic generalized, susceptibility to, 12. Last evaluated: 2021-08-23. Review status: criteria provided, single submitter. Criteria: ACMG Guidelines, 2015. Collection method: clinical testing. Allele origin: unknown.

GeneDx
Classification: Benign. Last evaluated: 2013-09-10. Review status: criteria provided, single submitter. Criteria: GeneDx Variant Classification (06012015). Collection method: clinical testing. Allele origin: germline. Affected: yes.
Comment: This variant is considered likely benign or benign based on one or more of the following criteria: it is a conservative change, it occurs at a poorly conserved position in the protein, it is predicted to be benign by multiple in silico algorithms, and/or has population frequency not consistent with disease.